The following is an entry in ClinVar:

ClinVar aggregate classification (germline): Benign. Review status: criteria provided, multiple submitters, no conflicts (2 of 4 stars). 2 submissions from 2 submitters: Benign (2). Last evaluated 2018-06-18.

Allele frequency attached by ClinVar (database versions not stated): gnomAD exomes 0.32430; gnomAD 0.34317 and 0.34983; TOPMed 0.36576; 1000 Genomes Project 30x 0.45612; 1000 Genomes Project 0.45627.
gnomAD v4.1: 483,619 of 1,478,404 alleles (33%); highest among the groups gnomAD compares: East Asian, 60%; 83,936 homozygotes.

Submissions (2):

GeneDx
Classification: Benign. Last evaluated: 2018-06-18. Review status: criteria provided, single submitter. Criteria: GeneDx Variant Classification (06012015). Collection method: clinical testing. Allele origin: germline. Affected: yes.
Comment: This variant is considered likely benign or benign based on one or more of the following criteria: it is a conservative change, it occurs at a poorly conserved position in the protein, it is predicted to be benign by multiple in silico algorithms, and/or has population frequency not consistent with disease.

Breakthrough Genomics
Classification: Benign. Review status: criteria provided, single submitter. Criteria: ACMG Guidelines, 2015. Collection method: not provided. Allele origin: germline. Inheritance: Autosomal dominant inheritance. Affected: yes.

NM_024334.3(TMEM43):c.393-83G>T

Gene: TMEM43 (transmembrane protein 43; plus strand). Cytogenetic location: 3p25.1.
Variant type: single nucleotide variant.
Coding change: c.393-83G>T on transcript NM_024334.3 (MANE Select); 83 bases into the intron before coding-DNA position 393, G replaced by T.
Molecular consequence: intron variant.
Genome position (GRCh38, 1-based): chr3:14,132,463, G>T. VCF-style: chr3-14132463-G-T. GRCh37 (hg19) VCF-style: chr3-14173963-G-T.
Identifiers: ClinVar variation 672173 (VCV000672173.2), dbSNP rs4685074, ClinGen allele CA11548271.